The following is an entry in ClinVar:

NM_006739.4(MCM5):c.565G>C (p.Glu189Gln)

Gene: MCM5 (minichromosome maintenance complex component 5; plus strand). Cytogenetic location: 22q12.3.
Variant type: single nucleotide variant.
Coding change: c.565G>C on transcript NM_006739.4 (MANE Select); coding-DNA position 565, G replaced by C.
Protein change: p.Glu189Gln; replaces glutamic acid 189 with glutamine.
Molecular consequence: missense variant.
Genome position (GRCh38, 1-based): chr22:35,406,694, G>C. VCF-style: chr22-35406694-G-C. GRCh37 (hg19) VCF-style: chr22-35802687-G-C.
Other names: short protein forms E189Q.
Identifiers: ClinVar variation 1389621 (VCV001389621.6), dbSNP rs779395034, ClinGen allele CA411362490.

ClinVar aggregate classification (germline): Uncertain significance (1 of 4 stars; one submission).

Allele frequency attached by ClinVar (database versions not stated): TOPMed below 0.00001.
gnomAD v4.1: 1 of 1,609,882 alleles (0.000062%); highest among the groups gnomAD compares: Non-Finnish European, 0.000085%; no homozygotes.

Submission:

Labcorp Genetics (formerly Invitae), Labcorp
Classification: Uncertain significance. Last evaluated: 2025-09-02. Review status: criteria provided, single submitter. Criteria: Invitae Variant Classification Sherloc (09022015). Collection method: clinical testing. Allele origin: germline.
Comment: This sequence change replaces glutamic acid, which is acidic and polar, with glutamine, which is neutral and polar, at codon 189 of the MCM5 protein (p.Glu189Gln). This variant is not present in population databases (gnomAD no frequency). This variant has not been reported in the literature in individuals affected with MCM5-related conditions. ClinVar contains an entry for this variant (Variation ID: 1389621). An algorithm developed to predict the effect of missense changes on protein structure and function (PolyPhen-2) suggests that this variant is likely to be tolerated. In summary, the available evidence is currently insufficient to determine the role of this variant in disease. Therefore, it has been classified as a Variant of Uncertain Significance.